The following is an entry in ClinVar:

ClinVar aggregate classification (germline): Uncertain significance (1 of 4 stars; one submission).

Conditions:
Hereditary hemorrhagic telangiectasia (HHT). Also called: ORW DISEASE; Osler Weber Rendu syndrome; OSLER-RENDU-WEBER DISEASE; Osler hemorrhagic telangiectasia syndrome. Identifiers: Orphanet 774, MedGen C0039445, MONDO:0019180. Disease mechanism: loss of function.

Allele frequency attached by ClinVar (database versions not stated): gnomAD 0.00001; gnomAD exomes 0.00001; TOPMed 0.00001.

Submission:

Labcorp Genetics (formerly Invitae), Labcorp
Classification: Uncertain significance for Hereditary hemorrhagic telangiectasia. Last evaluated: 2022-10-08. Review status: criteria provided, single submitter. Criteria: Invitae Variant Classification Sherloc (09022015). Collection method: clinical testing. Allele origin: germline.
Comment: This variant occurs in a non-coding region of the ENG gene. It does not change the encoded amino acid sequence of the ENG protein. This variant is not present in population databases (gnomAD no frequency). This variant has not been reported in the literature in individuals affected with ENG-related conditions. Experimental studies and prediction algorithms are not available or were not evaluated, and the functional significance of this variant is currently unknown. In summary, the available evidence is currently insufficient to determine the role of this variant in disease. Therefore, it has been classified as a Variant of Uncertain Significance.

NM_001114753.3(ENG):c.-112C>T

Gene: ENG (endoglin; minus strand). Cytogenetic location: 9q34.11.
Variant type: single nucleotide variant.
Coding change: c.-112C>T on transcript NM_001114753.3 (MANE Select); 112 bases upstream of the start codon, C replaced by T.
Molecular consequence: 5 prime UTR variant.
Genome position (GRCh38, 1-based): chr9:127,854,467, G>A on the plus strand (C>T on the coding strand, the complement: ENG is on the minus strand). VCF-style: chr9-127854467-G-A. GRCh37 (hg19) VCF-style: chr9-130616746-G-A.
Other names: c.-112C>T (NM_000118.4, NM_001406715.1).
Identifiers: ClinVar variation 2073745 (VCV002073745.1), dbSNP rs1829099715, ClinGen allele CA1129278564.